The following is an entry in ClinVar:

ClinVar aggregate classification (germline): Benign (1 of 4 stars; one submission).

Allele frequency attached by ClinVar (database versions not stated): 1000 Genomes Project 0.61342; gnomAD 0.55924; TOPMed 0.59406; 1000 Genomes Project 30x 0.61446.
gnomAD v4.1: 87,903 of 151,596 alleles (58%); highest among the groups gnomAD compares: African/African-American, 65%; 25,773 homozygotes.

Submission:

GeneDx
Classification: Benign. Last evaluated: 2018-06-14. Review status: criteria provided, single submitter. Criteria: GeneDx Variant Classification (06012015). Collection method: clinical testing. Allele origin: germline. Affected: yes.
Comment: This variant is considered likely benign or benign based on one or more of the following criteria: it is a conservative change, it occurs at a poorly conserved position in the protein, it is predicted to be benign by multiple in silico algorithms, and/or has population frequency not consistent with disease.

NM_014236.4(GNPAT):c.1279+317A>G

Gene: GNPAT (glyceronephosphate O-acyltransferase; plus strand). Cytogenetic location: 1q42.2.
Variant type: single nucleotide variant.
Coding change: c.1279+317A>G on transcript NM_014236.4 (MANE Select); 317 bases into the intron after coding-DNA position 1279, A replaced by G.
Molecular consequence: intron variant.
Genome position (GRCh38, 1-based): chr1:231,268,220, A>G. VCF-style: chr1-231268220-A-G. GRCh37 (hg19) VCF-style: chr1-231403966-A-G.
Other names: c.1096+317A>G (NM_001316350.2).
Identifiers: ClinVar variation 671189 (VCV000671189.1), dbSNP rs525427, ClinGen allele CA10755351.